The following is an entry in ClinVar:

NM_004336.5(BUB1):c.2483C>G (p.Pro828Arg)

Gene: BUB1 (BUB1 mitotic checkpoint serine/threonine kinase; minus strand). Cytogenetic location: 2q13.
Variant type: single nucleotide variant.
Coding change: c.2483C>G on transcript NM_004336.5 (MANE Select); coding-DNA position 2483, C replaced by G.
Protein change: p.Pro828Arg; replaces proline 828 with arginine.
Molecular consequence: missense variant.
Genome position (GRCh38, 1-based): chr2:110,641,784, G>C on the plus strand (C>G on the coding strand, the complement: BUB1 is on the minus strand). VCF-style: chr2-110641784-G-C. GRCh37 (hg19) VCF-style: chr2-111399361-G-C.
Other names: c.2423C>G, p.Pro808Arg (NM_001278616.2); c.2483C>G, p.Pro828Arg (NM_001278617.2); short protein forms P808R, P828R.
Identifiers: ClinVar variation 1791953 (VCV001791953.6), dbSNP rs200251349, ClinGen allele CA1827766.

ClinVar aggregate classification (germline): Uncertain significance. Review status: criteria provided, multiple submitters, no conflicts (2 of 4 stars). 2 submissions from 2 submitters: Uncertain significance (2). Last evaluated 2025-11-30.

Allele frequency attached by ClinVar (database versions not stated): gnomAD 0.00005; ExAC 0.00006; TOPMed 0.00006.
gnomAD v4.1: 111 of 1,605,768 alleles (0.0069%); highest among the groups gnomAD compares: Non-Finnish European, 0.0085%; no homozygotes.

Submissions (2):

Labcorp Genetics (formerly Invitae), Labcorp
Classification: Uncertain significance. Last evaluated: 2025-11-30. Review status: criteria provided, single submitter. Criteria: Invitae Variant Classification Sherloc (09022015). Collection method: clinical testing. Allele origin: germline.
Comment: This sequence change replaces proline, which is neutral and non-polar, with arginine, which is basic and polar, at codon 828 of the BUB1 protein (p.Pro828Arg). This variant is present in population databases (rs200251349, gnomAD 0.01%). This variant has not been reported in the literature in individuals affected with BUB1-related conditions. ClinVar contains an entry for this variant (Variation ID: 1791953). An algorithm developed to predict the effect of missense changes on protein structure and function outputs the following: PolyPhen-2: "Not Available". The arginine amino acid residue is found in multiple mammalian species, which suggests that this missense change does not adversely affect protein function. In summary, the available evidence is currently insufficient to determine the role of this variant in disease. Therefore, it has been classified as a Variant of Uncertain Significance.

Ambry Genetics
Classification: Uncertain significance. Last evaluated: 2025-05-20. Review status: criteria provided, single submitter. Criteria: Ambry Variant Classification Scheme 2023. Collection method: clinical testing. Allele origin: germline.